The following is an entry in ClinVar:

ClinVar aggregate classification (germline): Uncertain significance (1 of 4 stars; one submission).

Conditions:
Joubert syndrome. Also called: CEREBELLOPARENCHYMAL DISORDER IV; JOUBERT-BOLTSHAUSER SYNDROME; Familial aplasia of the vermis. Identifiers: Orphanet 475, MedGen C5979921, MONDO:0018772.

Submission:

Labcorp Genetics (formerly Invitae), Labcorp
Classification: Uncertain significance for Joubert syndrome. Last evaluated: 2022-09-06. Review status: criteria provided, single submitter. Criteria: Invitae Variant Classification Sherloc (09022015). Collection method: clinical testing. Allele origin: germline.
Comment: This variant is not present in population databases (gnomAD no frequency). This sequence change replaces proline, which is neutral and non-polar, with serine, which is neutral and polar, at codon 75 of the INPP5E protein (p.Pro75Ser). This variant has not been reported in the literature in individuals affected with INPP5E-related conditions. ClinVar contains an entry for this variant (Variation ID: 1359309). Algorithms developed to predict the effect of missense changes on protein structure and function are either unavailable or do not agree on the potential impact of this missense change (SIFT: "Tolerated"; PolyPhen-2: "Possibly Damaging"; Align-GVGD: "Class C0"). In summary, the available evidence is currently insufficient to determine the role of this variant in disease. Therefore, it has been classified as a Variant of Uncertain Significance.

NM_019892.6(INPP5E):c.223C>T (p.Pro75Ser)

Gene: INPP5E (inositol polyphosphate-5-phosphatase E; minus strand). Cytogenetic location: 9q34.3.
Variant type: single nucleotide variant.
Coding change: c.223C>T on transcript NM_019892.6 (MANE Select); coding-DNA position 223, C replaced by T.
Protein change: p.Pro75Ser; replaces proline 75 with serine.
Molecular consequence: missense variant.
Genome position (GRCh38, 1-based): chr9:136,439,197, G>A on the plus strand (C>T on the coding strand, the complement: INPP5E is on the minus strand). VCF-style: chr9-136439197-G-A. GRCh37 (hg19) VCF-style: chr9-139333649-G-A.
Other names: c.223C>T, p.Pro75Ser (NM_001318502.2); short protein forms P75S.
Identifiers: ClinVar variation 1359309 (VCV001359309.8), dbSNP rs2131619729, ClinGen allele CA375570528.